The following is an entry in ClinVar:

ClinVar aggregate classification (germline): Likely pathogenic (1 of 4 stars; one submission).

Conditions:
Developmental and epileptic encephalopathy, 15 (DEE15). Also called: Early infantile epileptic encephalopathy 15. Identifiers: Orphanet 3451, MedGen C3554316, MONDO:0014003, OMIM 615006.

Submission:

Neuberg Centre For Genomic Medicine, NCGM
Classification: Likely pathogenic for Developmental and epileptic encephalopathy, 15. Review status: criteria provided, single submitter. Criteria: ACMG Guidelines, 2015. Collection method: clinical testing. Allele origin: germline. Affected: yes.
Comment: The splice donor variant c.397+2T>C in ST3GAL3 (NM_006279.5) has not been reported previously as a pathogenic variant nor as a benign variant, to our knowledge. The c.397+2T>C variant is novel (not in any individuals) in gnomAD Exomes and is novel (not in any individuals) in 1000 Genomes. The variant affects an invariant splice nucleotide and predictions suggest disruption of splice site. Loss of function variants have been reported previously in epileptic encephalopathy. For these reasons, this variant has been classified as Likely Pathogenic.

NM_006279.5(ST3GAL3):c.397+2T>C

Gene: ST3GAL3 (ST3 beta-galactoside alpha-2,3-sialyltransferase 3; plus strand). Cytogenetic location: 1p34.1.
Variant type: single nucleotide variant.
Coding change: c.397+2T>C on transcript NM_006279.5 (MANE Select); the canonical splice donor site of the intron after coding-DNA position 397, T replaced by C.
Molecular consequence: splice donor variant. On other transcripts: intron variant (1).
Genome position (GRCh38, 1-based): chr1:43,894,479, T>C. VCF-style: chr1-43894479-T-C. GRCh37 (hg19) VCF-style: chr1-44360151-T-C.
Other names: c.604+2T>C (NM_174963.5); c.442+2T>C (NM_001350619.2, NM_174964.4, NM_174965.4); c.394+2T>C (NM_001270465.3, NM_001270463.3); c.559+2T>C (NM_174968.5, NM_001363573.2); c.118+2T>C (NM_001350621.2); c.397+2T>C (NM_001350620.2, NM_001270459.2, NM_174966.4 and 1 more transcripts); c.304+2T>C (NM_001270460.2); c.511+2T>C (NM_174971.5); and 3 more.
Identifiers: ClinVar variation 1339011 (VCV001339011.2), dbSNP rs200255759, ClinGen allele CA340269759.